The following is an entry in ClinVar:

ClinVar aggregate classification (germline): Conflicting classifications of pathogenicity. Review status: criteria provided, conflicting classifications (1 of 4 stars). 2 submissions from 2 submitters: Uncertain significance (1); Likely benign (1). Last evaluated 2022-05-03.

Conditions:
Early Myoclonic Encephalopathy. Identifiers: MedGen C0270855.

Allele frequency attached by ClinVar (database versions not stated): gnomAD exomes 0.00001; TOPMed 0.00001; ExAC 0.00001.
gnomAD v4.1: 3 of 1,613,830 alleles (0.00019%); highest among the groups gnomAD compares: Admixed American, 0.0017%; no homozygotes.

Submissions (2):

Center for Genomics, Ann and Robert H. Lurie Children's Hospital of Chicago
Classification: Uncertain significance. Last evaluated: 2022-05-03. Review status: criteria provided, single submitter. Criteria: ACMG Guidelines, 2015. Collection method: clinical testing. Allele origin: germline.
Comment: This variant has not been reported in the literature but is present in the Genome Aggregation Database (Highest reported MAF 0.005% (2/34590). This variant is present in ClinVar (Variation ID:1417076). Evolutionary conservation and computational predictive tools for this variant are limited or unavailable. Of note, this variant is a silent variant and does not change the amino acid, reducing the probability that this variant is disease causing. In summary, data on this variant is insufficient for disease classification. Therefore, the clinical significance of this variant is uncertain.

Labcorp Genetics (formerly Invitae), Labcorp
Classification: Likely benign for Early Myoclonic Encephalopathy. Last evaluated: 2021-06-18. Review status: criteria provided, single submitter. Criteria: Invitae Variant Classification Sherloc (09022015). Collection method: clinical testing. Allele origin: germline.

NM_012281.3(KCND2):c.648T>A (p.Ile216=)

Gene: KCND2 (potassium voltage-gated channel subfamily D member 2; plus strand). Cytogenetic location: 7q31.31.
Variant type: single nucleotide variant.
Coding change: c.648T>A on transcript NM_012281.3 (MANE Select); coding-DNA position 648, T replaced by A.
Protein change: p.Ile216=; no amino-acid change (isoleucine 216 retained).
Molecular consequence: synonymous variant.
Genome position (GRCh38, 1-based): chr7:120,275,280, T>A. VCF-style: chr7-120275280-T-A. GRCh37 (hg19) VCF-style: chr7-119915334-T-A.
Identifiers: ClinVar variation 1417076 (VCV001417076.8), dbSNP rs773347530, ClinGen allele CA4453526.